The following is an entry in ClinVar:

NM_004937.3(CTNS):c.*2127G>A

Gene: CTNS (cystinosin, lysosomal cystine transporter; plus strand). Cytogenetic location: 17p13.2.
Variant type: single nucleotide variant.
Coding change: c.*2127G>A on transcript NM_004937.3 (MANE Select); 2127 bases downstream of the stop codon, G replaced by A.
Molecular consequence: 3 prime UTR variant.
Genome position (GRCh38, 1-based): chr17:3,662,496, G>A. VCF-style: chr17-3662496-G-A. GRCh37 (hg19) VCF-style: chr17-3565790-G-A.
Other names: c.*1762G>A (NM_001031681.3, NM_001374492.1); c.*2127G>A (NM_001374493.1, NM_001374494.1, NM_001374495.1 and 1 more transcripts).
Identifiers: ClinVar variation 322910 (VCV000322910.5), dbSNP rs72835828, ClinGen allele CA10649988.

ClinVar aggregate classification (germline): Benign. Review status: criteria provided, single submitter (1 of 4 stars). 2 submissions from 1 submitter: Benign (2). Last evaluated 2018-01-12.

Conditions:
Ocular cystinosis. Also called: Non-Nephropathic (Ocular) Cystinosis; Non-Nephropathic Cystinosis. Identifiers: Orphanet 213, Orphanet 411641, MedGen C2931013, MONDO:0009064, OMIM 219750.
Nephropathic cystinosis (CTNS). Also called: CYSTINOSIN, DEFECT OF; LYSOSOMAL CYSTINE TRANSPORT PROTEIN, DEFECT OF; Abderhalden Lignac Kaufmann disease; Abderhalden-Kaufmann-Lignac syndrome. Identifiers: Orphanet 213, Orphanet 411629, MedGen C2931187, MONDO:0100151, OMIM 219800.

Allele frequency attached by ClinVar (database versions not stated): 1000 Genomes Project 30x 0.00625; 1000 Genomes Project 0.00639; TOPMed 0.00906; gnomAD 0.01152 and 0.01197.
gnomAD v4.1: 1,748 of 152,186 alleles (1.1%); highest among the groups gnomAD compares: Non-Finnish European, 1.7%; 13 homozygotes.

Submissions (2):

Illumina Laboratory Services, Illumina
Classification: Benign for Nephropathic cystinosis. Last evaluated: 2018-01-12. Review status: criteria provided, single submitter. Criteria: ICSL Variant Classification Criteria 13 December 2019. Collection method: clinical testing. Allele origin: germline.
Comment: This variant was observed in the ICSL laboratory as part of a predisposition screen in an ostensibly healthy population. It had not been previously curated by ICSL or reported in the Human Gene Mutation Database (HGMD: prior to June 1st, 2018), and was therefore a candidate for classification through an automated scoring system. Utilizing variant allele frequency, disease prevalence and penetrance estimates, and inheritance mode, an automated score was calculated to assess if this variant is too frequent to cause the disease. Based on the score and internal cut-off values, a variant classified as benign is not then subjected to further curation. The score for this variant resulted in a classification of benign for this disease.

Illumina Laboratory Services, Illumina
Classification: Benign for Ocular cystinosis. Last evaluated: 2018-01-12. Review status: criteria provided, single submitter. Criteria: ICSL Variant Classification Criteria 13 December 2019. Collection method: clinical testing. Allele origin: germline.
Comment: the same text as in the submission from Illumina Laboratory Services, Illumina above.